The following is an entry in ClinVar:

NM_031924.8(RSPH3):c.1173del (p.Lys392fs)

Gene: RSPH3 (radial spoke head 3; minus strand). Cytogenetic location: 6q25.3.
Variant type: Deletion.
Coding change: c.1173del on transcript NM_031924.8 (MANE Select); coding-DNA position 1173, one base deleted (G; older notation c.1173delG).
Protein change: p.Lys392fs; shifts the reading frame from lysine 392.
Molecular consequence: frameshift variant. On other transcripts: non-coding transcript variant (1).
Genome position (GRCh38, 1-based): chr6:158,977,622, C deleted on the plus strand (G on the coding strand, the reverse complement: RSPH3 is on the minus strand); the first of 2 consecutive C bases (chr6:158,977,622-158,977,623); deleting either gives the same sequence. VCF-style (leftmost placement, unchanged base first): chr6-158977621-TC-T. GRCh37 (hg19) VCF-style: chr6-159398653-TC-T.
Other names: c.1311del, p.Lys438fs (NM_001346418.1); short protein forms K438fs, K392fs.
Identifiers: ClinVar variation 2024936 (VCV002024936.4), dbSNP rs2484867019, ClinGen allele CA2578784707.
Genomic context (GRCh38, chr6:158,977,621, plus strand): 5'-AGGACTTCCTCATTGCTGTTTCTTCATCTTGCCCTAAGAGTTCTCTCTCTTCCATAAACT[TC>T]CTTTCCTGGGATGACCTTCTGTCATATGTTGTTCTTTGTAGGTAGCCTCCATCTAAAAGC-3'

ClinVar aggregate classification (germline): Uncertain significance (1 of 4 stars; one submission).

Conditions:
Primary ciliary dyskinesia 32. Also called: CILIARY DYSKINESIA, PRIMARY, 32, WITHOUT SITUS INVERSUS. Identifiers: Orphanet 244, MedGen C4225311, MONDO:0014657, OMIM 616481.

Submission:

Labcorp Genetics (formerly Invitae), Labcorp
Classification: Uncertain significance for Primary ciliary dyskinesia 32. Last evaluated: 2022-08-29. Review status: criteria provided, single submitter. Criteria: Invitae Variant Classification Sherloc (09022015). Collection method: clinical testing. Allele origin: germline.
Comment: In summary, the available evidence is currently insufficient to determine the role of this variant in disease. Therefore, it has been classified as a Variant of Uncertain Significance. Experimental studies and prediction algorithms are not available or were not evaluated, and the functional significance of this variant is currently unknown. This variant has not been reported in the literature in individuals affected with RSPH3-related conditions. This variant is not present in population databases (gnomAD no frequency). This sequence change creates a premature translational stop signal (p.Lys534Serfs*9) in the RSPH3 gene. While this is not anticipated to result in nonsense mediated decay, it is expected to disrupt the last 27 amino acid(s) of the RSPH3 protein.